The following is an entry in ClinVar:

NM_004830.4(MED23):c.3055C>T (p.Arg1019Cys)

Gene: MED23 (mediator complex subunit 23; minus strand). Cytogenetic location: 6q23.2.
Variant type: single nucleotide variant.
Coding change: c.3055C>T on transcript NM_004830.4 (MANE Select); coding-DNA position 3055, C replaced by T.
Protein change: p.Arg1019Cys; replaces arginine 1019 with cysteine.
Molecular consequence: missense variant.
Genome position (GRCh38, 1-based): chr6:131,594,276, G>A on the plus strand (C>T on the coding strand, the complement: MED23 is on the minus strand). VCF-style: chr6-131594276-G-A. GRCh37 (hg19) VCF-style: chr6-131915416-G-A.
Other names: c.3055C>T, p.Arg1019Cys (NM_001270521.2, NM_001270522.2); c.3073C>T, p.Arg1025Cys (NM_001376517.1, NM_015979.4); c.3001C>T, p.Arg1001Cys (NM_001376518.1); c.2917C>T, p.Arg973Cys (NM_001376519.1, NM_001376521.1); c.2914C>T, p.Arg972Cys (NM_001376520.1); c.2884C>T, p.Arg962Cys (NM_001376522.1); c.2800C>T, p.Arg934Cys (NM_001376523.1); c.2668C>T, p.Arg890Cys (NM_001376524.1); short protein forms R1001C, R1019C, R1025C, R890C, R934C, R962C, R972C, R973C.
Identifiers: ClinVar variation 2412898 (VCV002412898.3), dbSNP rs1774874444, ClinGen allele CA365663159.
Genomic context (GRCh38, chr6:131,594,276, plus strand): 5'-GTCGATTATCCTTCAGAGAGCCAATGATCGCATGGACGAGTTTTCGTTTGAGAAATGCGC[G>A]GTCTCTCAGGTGCATTTCATAATAGTGCAGAGTGTTATACAGATAAGTCACTGGACGATC-3'
Protein context (NP_004821.2, residues 1009-1029): LHYYEMHLRD[Arg1019Cys]AFLKRKLVHA

ClinVar aggregate classification (germline): Uncertain significance (1 of 4 stars; one submission).

Allele frequency attached by ClinVar (database versions not stated): TOPMed 0.00001.

Submission:

GeneDx
Classification: Uncertain significance. Last evaluated: 2022-07-25. Review status: criteria provided, single submitter. Criteria: GeneDx Variant Classification Process June 2021. Collection method: clinical testing. Allele origin: germline. Affected: yes.
Comment: Not observed at significant frequency in large population cohorts (gnomAD); In silico analysis supports that this missense variant has a deleterious effect on protein structure/function; Has not been previously published as pathogenic or benign to our knowledge